The following is an entry in ClinVar:

ClinVar aggregate classification (germline): Uncertain significance. Review status: criteria provided, multiple submitters, no conflicts (2 of 4 stars). 2 submissions from 2 submitters: Uncertain significance (2). Last evaluated 2025-11-23.

Allele frequency attached by ClinVar (database versions not stated): gnomAD 0.00005; gnomAD exomes 0.00006; TOPMed 0.00006.
gnomAD v4.1: 92 of 1,613,902 alleles (0.0057%); highest among the groups gnomAD compares: Middle Eastern, 0.016%; no homozygotes.

Submissions (2):

Labcorp Genetics (formerly Invitae), Labcorp
Classification: Uncertain significance. Last evaluated: 2025-11-23. Review status: criteria provided, single submitter. Criteria: Invitae Variant Classification Sherloc (09022015). Collection method: clinical testing. Allele origin: germline.
Comment: This sequence change replaces arginine, which is basic and polar, with tryptophan, which is neutral and slightly polar, at codon 736 of the HYOU1 protein (p.Arg736Trp). This variant is present in population databases (rs146651379, gnomAD 0.01%). This variant has not been reported in the literature in individuals affected with HYOU1-related conditions. ClinVar contains an entry for this variant (Variation ID: 1400761). An algorithm developed to predict the effect of missense changes on protein structure and function (PolyPhen-2) suggests that this variant is likely to be disruptive. In summary, the available evidence is currently insufficient to determine the role of this variant in disease. Therefore, it has been classified as a Variant of Uncertain Significance.

Ambry Genetics
Classification: Uncertain significance. Last evaluated: 2023-01-10. Review status: criteria provided, single submitter. Criteria: Ambry Variant Classification Scheme 2023. Collection method: clinical testing. Allele origin: germline.

NM_006389.5(HYOU1):c.2206C>T (p.Arg736Trp)

Gene: HYOU1 (hypoxia up-regulated 1; minus strand). Cytogenetic location: 11q23.3.
Variant type: single nucleotide variant.
Coding change: c.2206C>T on transcript NM_006389.5 (MANE Select); coding-DNA position 2206, C replaced by T.
Protein change: p.Arg736Trp; replaces arginine 736 with tryptophan.
Molecular consequence: missense variant.
Genome position (GRCh38, 1-based): chr11:119,048,523, G>A on the plus strand (C>T on the coding strand, the complement: HYOU1 is on the minus strand). VCF-style: chr11-119048523-G-A. GRCh37 (hg19) VCF-style: chr11-118919235-G-A.
Other names: c.2206C>T (NM_006389.3); c.2206C>T, p.Arg736Trp (NM_001130991.3); short protein forms R736W.
Identifiers: ClinVar variation 1400761 (VCV001400761.11), dbSNP rs146651379, ClinGen allele CA229618933.